The following is an entry in ClinVar:

ClinVar aggregate classification (germline): Pathogenic (1 of 4 stars; one submission).

Conditions:
Autosomal recessive nonsyndromic hearing loss 3. Also called: NEUROSENSORY NONSYNDROMIC RECESSIVE DEAFNESS 3. Identifiers: Orphanet 90636, MedGen C1838263, MONDO:0010860, OMIM 600316.

Submission:

Institute of Rare Diseases, West China Hospital, Sichuan University
Classification: Pathogenic for Autosomal recessive nonsyndromic hearing loss 3. Last evaluated: 2025-01-09. Review status: criteria provided, single submitter. Criteria: ClinGen HL ACMG Specifications v1. Collection method: research. Allele origin: germline. Affected: yes.
Comment: PVS1;PM2_Supporting;PM3;PP1

NM_016239.4(MYO15A):c.1627C>T (p.Gln543Ter)

Gene: MYO15A (myosin XVA; plus strand). Cytogenetic location: 17p11.2.
Variant type: single nucleotide variant.
Coding change: c.1627C>T on transcript NM_016239.4 (MANE Select); coding-DNA position 1627, C replaced by T.
Protein change: p.Gln543Ter; replaces glutamine 543 with a stop codon.
Molecular consequence: nonsense.
Genome position (GRCh38, 1-based): chr17:18,120,427, C>T. VCF-style: chr17-18120427-C-T. GRCh37 (hg19) VCF-style: chr17-18023741-C-T.
Other names: short protein forms Q543*.
Identifiers: ClinVar variation 3601306 (VCV003601306.1).